The following is an entry in ClinVar:

ClinVar aggregate classification (germline): Uncertain significance (1 of 4 stars; one submission).

Allele frequency attached by ClinVar (database versions not stated): gnomAD exomes below 0.00001; TOPMed below 0.00001.

Submission:

Labcorp Genetics (formerly Invitae), Labcorp
Classification: Uncertain significance. Last evaluated: 2023-11-01. Review status: criteria provided, single submitter. Criteria: Invitae Variant Classification Sherloc (09022015). Collection method: clinical testing. Allele origin: germline.
Comment: This sequence change falls in intron 8 of the MYSM1 gene. It does not directly change the encoded amino acid sequence of the MYSM1 protein. It affects a nucleotide within the consensus splice site. The frequency data for this variant in the population databases is considered unreliable, as metrics indicate poor data quality at this position in the gnomAD database. This variant has not been reported in the literature in individuals affected with MYSM1-related conditions. ClinVar contains an entry for this variant (Variation ID: 1954621). Variants that disrupt the consensus splice site are a relatively common cause of aberrant splicing (PMID: 17576681, 9536098). Algorithms developed to predict the effect of sequence changes on RNA splicing suggest that this variant may disrupt the consensus splice site. In summary, the available evidence is currently insufficient to determine the role of this variant in disease. Therefore, it has been classified as a Variant of Uncertain Significance.

Literature cited by the submitters: PubMed 17576681; PubMed 9536098.

NM_001085487.3(MYSM1):c.1259+3A>G

Gene: MYSM1 (Myb like, SWIRM and MPN domains 1; minus strand). Cytogenetic location: 1p32.1.
Variant type: single nucleotide variant.
Coding change: c.1259+3A>G on transcript NM_001085487.3 (MANE Select); 3 bases into the intron after coding-DNA position 1259, A replaced by G.
Molecular consequence: intron variant.
Genome position (GRCh38, 1-based): chr1:58,681,782, T>C on the plus strand (A>G on the coding strand, the complement: MYSM1 is on the minus strand). VCF-style: chr1-58681782-T-C. GRCh37 (hg19) VCF-style: chr1-59147454-T-C.
Identifiers: ClinVar variation 1954621 (VCV001954621.5), dbSNP rs1425061506, ClinGen allele CA522990346.